The following is an entry in ClinVar:

NM_182641.4(BPTF):c.1435A>T (p.Ile479Leu)

Gene: BPTF (bromodomain PHD finger transcription factor; plus strand). Cytogenetic location: 17q24.2.
Variant type: single nucleotide variant.
Coding change: c.1435A>T on transcript NM_182641.4 (MANE Select); coding-DNA position 1435, A replaced by T.
Protein change: p.Ile479Leu; replaces isoleucine 479 with leucine.
Molecular consequence: missense variant.
Genome position (GRCh38, 1-based): chr17:67,854,761, A>T. VCF-style: chr17-67854761-A-T. GRCh37 (hg19) VCF-style: chr17-65850877-A-T.
Other names: c.1435A>T, p.Ile479Leu (NM_004459.7); c.1435A>T (NM_004459.6); short protein forms I479L.
Identifiers: ClinVar variation 3055738 (VCV003055738.3), dbSNP rs563012201, ClinGen allele CA400721913.

ClinVar aggregate classification (germline): Uncertain significance. Review status: criteria provided, single submitter (1 of 4 stars). 2 submissions from 2 submitters: Uncertain significance (1). 1 of the submissions does not count toward it. Last evaluated 2024-02-26.

Conditions:
BPTF-related disorder. Also called: BPTF-related condition.

gnomAD v4.1: 1 of 1,603,592 alleles (0.000062%); highest among the groups gnomAD compares: Non-Finnish European, 0.000085%; no homozygotes.

Submissions (2):

GeneDx
Classification: Uncertain significance. Last evaluated: 2024-02-26. Review status: criteria provided, single submitter. Criteria: GeneDx Variant Classification Process June 2021. Collection method: clinical testing. Allele origin: germline. Affected: yes.
Comment: Not observed at significant frequency in large population cohorts (gnomAD); In silico analysis supports that this missense variant does not alter protein structure/function; Has not been previously published as pathogenic or benign to our knowledge

PreventionGenetics, part of Exact Sciences
Classification: Uncertain significance for BPTF-related condition. Last evaluated: 2024-01-02. Review status: no assertion criteria provided. Collection method: clinical testing. Allele origin: germline. Not counted in ClinVar's aggregate classification.
Comment: The BPTF c.1435A>T variant is predicted to result in the amino acid substitution p.Ile479Leu. To our knowledge, this variant has not been reported in the literature or in a large population database, indicating this variant is rare. At this time, the clinical significance of this variant is uncertain due to the absence of conclusive functional and genetic evidence.